The following is an entry in ClinVar:

NM_002354.3(EPCAM):c.842C>T (p.Ala281Val)

Gene: EPCAM (epithelial cell adhesion molecule; plus strand). Cytogenetic location: 2p21.
Variant type: single nucleotide variant.
Coding change: c.842C>T on transcript NM_002354.3 (MANE Select); coding-DNA position 842, C replaced by T.
Protein change: p.Ala281Val; replaces alanine 281 with valine.
Molecular consequence: missense variant.
Genome position (GRCh38, 1-based): chr2:47,379,953, C>T. VCF-style: chr2-47379953-C-T. GRCh37 (hg19) VCF-style: chr2-47607092-C-T.
Other names: short protein forms A281V.
Identifiers: ClinVar variation 4870525 (VCV004870525.1).
Genomic context (GRCh38, chr2:47,379,953, plus strand): 5'-TGCAGGGTCTAAAAGCTGGTGTTATTGCTGTTATTGTGGTTGTGGTGATAGCAGTTGTTG[C>T]TGGAATTGTTGTGCTGGTGAGTACAGAACAAGTAAAATTTCATTTAAGGGTATATTTTTT-3'
Protein context (NP_002345.2, residues 271-291): VIVVVVIAVV[Ala281Val]GIVVLVISRK

ClinVar aggregate classification (germline): Uncertain significance (1 of 4 stars; one submission).

Conditions:
Hereditary cancer-predisposing syndrome. Also called: Neoplastic Syndromes, Hereditary; Tumor predisposition; Hereditary Cancer Syndrome; Hereditary neoplastic syndrome. Identifiers: Orphanet 140162, MedGen C0027672, MeSH D009386, MONDO:0015356.

Submission:

Ambry Genetics
Classification: Uncertain significance for Hereditary cancer-predisposing syndrome. Last evaluated: 2026-05-26. Review status: criteria provided, single submitter. Criteria: Ambry Variant Classification Scheme 2023. Collection method: clinical testing. Allele origin: germline.
Comment: The p.A281V variant (also known as c.842C>T), located in coding exon 7 of the EPCAM gene, results from a C to T substitution at nucleotide position 842. The alanine at codon 281 is replaced by valine, an amino acid with similar properties. This amino acid position is conserved. In addition, the in silico prediction for this alteration is inconclusive. Based on the available evidence, the clinical significance of this variant remains unclear.